The following is an entry in ClinVar:

ClinVar aggregate classification (germline): Pathogenic (3 of 4 stars; one submission).

Conditions:
Glanzmann thrombasthenia. Also called: Glanzmann's thrombasthenia; PLATELET GLYCOPROTEIN IIb-IIIa DEFICIENCY; BLEEDING DISORDER, PLATELET-TYPE, 2; THROMBASTHENIA OF GLANZMANN AND NAEGELI; Thrombasthenia. Identifiers: Orphanet 849, MedGen C0040015, MONDO:0100326.

Allele frequency attached by ClinVar (database versions not stated): gnomAD exomes below 0.00001.
gnomAD v4.1: 1 of 1,613,882 alleles (0.000062%); highest among the groups gnomAD compares: African/African-American, 0.0013%; no homozygotes.

Submission:

ClinGen Platelet Disorders Variant Curation Expert Panel, ClinGen
Classification: Pathogenic for Glanzmann thrombasthenia. Last evaluated: 2020-09-06. Review status: reviewed by expert panel. Criteria: ClinGen Platelet ACMG Specifications v2. Collection method: curation. Allele origin: germline. Inheritance: Autosomal recessive inheritance.
Comment: NM_000212.3(ITGB3):c.1913+1G>A is a canonical splice donor variant that has been reported in at least one proband by PMID:25728920. It is absent from all major population cohorts (gnomAD,ExAC and 1000Genomes). It is predicted to cause a disruption of the canonical donor splice site in intron 11 leading to disruption of reading frame and NMD. PMID:25728920 has reported this variant as homozygous in a symptomatic individual who meets diagnostic criteria for GT phenotype. This variant meets GT-specific criteria for PVS1, PM2_supporting, PP4_strong, and PM3_supporting and is therefore classified as Pathogenic.

Literature cited by the submitters: PubMed 25728920.

NM_000212.3(ITGB3):c.1913+1G>A

Gene: ITGB3 (integrin subunit beta 3; plus strand). Cytogenetic location: 17q21.32.
Variant type: single nucleotide variant.
Coding change: c.1913+1G>A on transcript NM_000212.3 (MANE Select); the canonical splice donor site of the intron after coding-DNA position 1913, G replaced by A.
Molecular consequence: splice donor variant.
Genome position (GRCh38, 1-based): chr17:47,299,531, G>A. VCF-style: chr17-47299531-G-A. GRCh37 (hg19) VCF-style: chr17-45376897-G-A.
Identifiers: ClinVar variation 996179 (VCV000996179.2), dbSNP rs2065158302, ClinGen allele CA400032825.
Genomic context (GRCh38, chr17:47,299,531, plus strand): 5'-CTCCTATGGGGACACCTGTGAGAAGTGCCCCACCTGCCCAGATGCCTGCACCTTTAAGAA[G>A]TGAGTGTGGAGTCTGGAGAGAGCCGGGAGGCTGGGAGGTAGGAGAGGATCCCCTGACTAG-3'